The following is an entry in ClinVar:

NM_001003841.3(SLC6A19):c.1342G>A (p.Val448Ile)

Gene: SLC6A19 (solute carrier family 6 member 19; plus strand). Cytogenetic location: 5p15.33.
Variant type: single nucleotide variant.
Coding change: c.1342G>A on transcript NM_001003841.3 (MANE Select); coding-DNA position 1342, G replaced by A.
Protein change: p.Val448Ile; replaces valine 448 with isoleucine.
Molecular consequence: missense variant.
Genome position (GRCh38, 1-based): chr5:1,219,071, G>A. VCF-style: chr5-1219071-G-A. GRCh37 (hg19) VCF-style: chr5-1219186-G-A.
Other names: c.1342G>A (NM_001003841.2); short protein forms V448I.
Identifiers: ClinVar variation 1500483 (VCV001500483.7), dbSNP rs779335373, ClinGen allele CA3183127.

ClinVar aggregate classification (germline): Conflicting classifications of pathogenicity. Review status: criteria provided, conflicting classifications (1 of 4 stars). 2 submissions from 2 submitters: Uncertain significance (1); Likely benign (1). Last evaluated 2023-03-02.

Conditions:
Inborn genetic diseases. Identifiers: MedGen C0950123, MeSH D030342.

Allele frequency attached by ClinVar (database versions not stated): ExAC 0.00001; gnomAD 0.00001; gnomAD exomes 0.00002; TOPMed 0.00002.

Submissions (2):

Ambry Genetics
Classification: Likely benign for Inborn genetic diseases. Last evaluated: 2023-03-02. Review status: criteria provided, single submitter. Criteria: Ambry Variant Classification Scheme 2023. Collection method: clinical testing. Allele origin: germline.

Labcorp Genetics (formerly Invitae), Labcorp
Classification: Uncertain significance. Last evaluated: 2020-11-24. Review status: criteria provided, single submitter. Criteria: Invitae Variant Classification Sherloc (09022015). Collection method: clinical testing. Allele origin: germline.
Comment: In summary, the available evidence is currently insufficient to determine the role of this variant in disease. Therefore, it has been classified as a Variant of Uncertain Significance. Advanced modeling of protein sequence and biophysical properties (such as structural, functional, and spatial information, amino acid conservation, physicochemical variation, residue mobility, and thermodynamic stability) performed at Invitae indicates that this missense variant is not expected to disrupt SLC6A19 protein function. This variant has not been reported in the literature in individuals with SLC6A19-related conditions. This variant is present in population databases (rs779335373, ExAC 0.009%). This sequence change replaces valine with isoleucine at codon 448 of the SLC6A19 protein (p.Val448Ile). The valine residue is weakly conserved and there is a small physicochemical difference between valine and isoleucine.